The following is an entry in ClinVar:

ClinVar aggregate classification (germline): Uncertain significance (1 of 4 stars; one submission).

gnomAD v4.1: 2 of 1,167,890 alleles (0.00017%); highest among the groups gnomAD compares: Non-Finnish European, 0.00023%; no homozygotes.

Submission:

GeneDx
Classification: Uncertain significance. Last evaluated: 2026-08-28. Review status: criteria provided, single submitter. Criteria: GeneDx Variant Classification Process June 2021. Collection method: clinical testing. Allele origin: germline.
Comment: Not observed at significant frequency in large population cohorts (gnomAD); In silico analysis indicates that this missense variant does not alter protein structure/function; Has not been previously published as pathogenic or benign to our knowledge

NM_001042750.2(STAG2):c.295G>A (p.Val99Ile)

Gene: STAG2 (STAG2 cohesin complex component; plus strand). Cytogenetic location: Xq25.
Variant type: single nucleotide variant.
Coding change: c.295G>A on transcript NM_001042750.2 (MANE Select); coding-DNA position 295, G replaced by A.
Protein change: p.Val99Ile; replaces valine 99 with isoleucine.
Molecular consequence: missense variant.
Genome position (GRCh38, 1-based): chrX:124,037,533, G>A. VCF-style: chrX-124037533-G-A. GRCh37 (hg19) VCF-style: chrX-123171383-G-A.
Other names: c.295G>A, p.Val99Ile (NM_001042749.2, NM_001042751.2, NM_001282418.2 and 13 more transcripts); short protein forms V99I.
Identifiers: ClinVar variation 3383550 (VCV003383550.2).